The following is an entry in ClinVar:

NM_001040443.3(PHF11):c.*9G>A

Genes: PHF11 (PHD finger protein 11; plus strand), SETDB2-PHF11 (SETDB2-PHF11 readthrough; plus strand). Cytogenetic location: 13q14.2.
Variant type: single nucleotide variant.
Coding change: c.*9G>A on transcript NM_001040443.3 (MANE Select); 9 bases downstream of the stop codon, G replaced by A.
Molecular consequence: 3 prime UTR variant. On other transcripts: non-coding transcript variant (3).
Genome position (GRCh38, 1-based): chr13:49,528,674, G>A. VCF-style: chr13-49528674-G-A. GRCh37 (hg19) VCF-style: chr13-50102810-G-A.
Other names: c.*9G>A (NM_001320727.2, NM_001040444.3, NM_001419873.1 and 3 more transcripts).
Identifiers: ClinVar variation 3059533 (VCV003059533.2), dbSNP rs1046295, ClinGen allele CA6982503.
Genomic context (GRCh38, chr13:49,528,674, plus strand): 5'-AAATAGAGATCTTATGTCAAGTTCTACATCAATATCATCCCTGTCTTATTAGGGATTACC[G>A]TTTCCTAAGCCAAGAGTCATGTCAAATTGCAATCAGGCTCAAAACCAGAGACCAGGCTGT-3'

ClinVar aggregate classification (germline): Benign (0 of 4 stars; one submission).

Conditions:
PHF11-related disorder. Also called: PHF11-related condition.

Allele frequency attached by ClinVar (database versions not stated): 1000 Genomes Project 0.41953; 1000 Genomes Project 30x 0.42224; ESP Exome Variant Server 0.47532; gnomAD 0.47584; TOPMed 0.47628; ExAC 0.48631; gnomAD exomes 0.51559.
gnomAD v4.1: 805,010 of 1,573,548 alleles (51%); highest among the groups gnomAD compares: Middle Eastern, 54%; 209,815 homozygotes.

Submission:

PreventionGenetics, part of Exact Sciences
Classification: Benign for PHF11-related condition. Last evaluated: 2019-10-17. Review status: no assertion criteria provided. Collection method: clinical testing. Allele origin: germline.
Comment: This variant is classified as benign based on ACMG/AMP sequence variant interpretation guidelines (Richards et al. 2015 PMID: 25741868, with internal and published modifications).